The following is an entry in ClinVar:

ClinVar aggregate classification (germline): Uncertain significance (1 of 4 stars; one submission).

gnomAD v4.1: 1 of 1,609,076 alleles (0.000062%); highest among the groups gnomAD compares: Non-Finnish European, 0.000085%; no homozygotes.

Submission:

Labcorp Genetics (formerly Invitae), Labcorp
Classification: Uncertain significance. Last evaluated: 2023-08-19. Review status: criteria provided, single submitter. Criteria: Invitae Variant Classification Sherloc (09022015). Collection method: clinical testing. Allele origin: germline.
Comment: This sequence change replaces isoleucine, which is neutral and non-polar, with arginine, which is basic and polar, at codon 232 of the PSMA3 protein (p.Ile232Arg). This variant is not present in population databases (gnomAD no frequency). This variant has not been reported in the literature in individuals affected with PSMA3-related conditions. An algorithm developed to predict the effect of missense changes on protein structure and function (PolyPhen-2) suggests that this variant is likely to be tolerated. In summary, the available evidence is currently insufficient to determine the role of this variant in disease. Therefore, it has been classified as a Variant of Uncertain Significance.

NM_002788.4(PSMA3):c.695T>G (p.Ile232Arg)

Genes: PSMA3 (proteasome 20S subunit alpha 3; plus strand), PSMA3-AS1 (PSMA3 antisense RNA 1; minus strand). Cytogenetic location: 14q23.1.
Variant type: single nucleotide variant.
Coding change: c.695T>G on transcript NM_002788.4 (MANE Select); coding-DNA position 695, T replaced by G.
Protein change: p.Ile232Arg; replaces isoleucine 232 with arginine.
Molecular consequence: missense variant. On other transcripts: non-coding transcript variant (1).
Genome position (GRCh38, 1-based): chr14:58,270,970, T>G. VCF-style: chr14-58270970-T-G. GRCh37 (hg19) VCF-style: chr14-58737688-T-G.
Other names: c.674T>G, p.Ile225Arg (NM_152132.3); short protein forms I232R, I225R.
Identifiers: ClinVar variation 2795244 (VCV002795244.3), dbSNP rs772232386, ClinGen allele CA389853539.